The following is an entry in ClinVar:

ClinVar aggregate classification (germline): Uncertain significance. Review status: criteria provided, multiple submitters, no conflicts (2 of 4 stars). 4 submissions from 4 submitters: Uncertain significance (2). 2 of the submissions do not count toward it. Last evaluated 2025-09-15.

Conditions:
Cardiomyopathy (CMYO). Also called: Cardiomyopathies. Identifiers: Orphanet 167848, MedGen C0878544, MONDO:0004994, HP:0001638. Inheritance: Various modes of inheritance.
Catecholaminergic polymorphic ventricular tachycardia 1. Also called: RYR2-Related Catecholaminergic Polymorphic Ventricular Tachycardia; VENTRICULAR TACHYCARDIA, STRESS-INDUCED POLYMORPHIC 1; VENTRICULAR TACHYCARDIA, CATECHOLAMINERGIC POLYMORPHIC, 1, WITH OR WITHOUT ATRIAL DYSFUNCTION AND/OR DILATED CARDIOMYOPATHY. Identifiers: Orphanet 3286, MedGen C1631597, MONDO:0011484, OMIM 604772.

gnomAD v4.1: 14 of 1,613,834 alleles (0.00087%); highest among the groups gnomAD compares: Non-Finnish European, 0.0012%; no homozygotes.

Submissions (4):

Color Diagnostics, LLC DBA Color Health
Classification: Uncertain significance for Cardiomyopathy. Last evaluated: 2025-09-15. Review status: criteria provided, single submitter. Criteria: ACMG Guidelines, 2015. Collection method: clinical testing. Allele origin: germline.
Comment: This missense variant replaces arginine with proline at codon 2566 of the RYR2 protein. Computational prediction suggests that this variant may have deleterious impact on protein structure and function. To our knowledge, functional studies have not been reported for this variant. This variant has not been reported in individuals affected with RYR2-related disorders in the literature. This variant has been identified in 2/249272 chromosomes in the general population by the Genome Aggregation Database (gnomAD). The available evidence is insufficient to determine the role of this variant in disease conclusively. Therefore, this variant is classified as a Variant of Uncertain Significance.

Labcorp Genetics (formerly Invitae), Labcorp
Classification: Uncertain significance for Catecholaminergic polymorphic ventricular tachycardia 1. Last evaluated: 2023-10-20. Review status: criteria provided, single submitter. Criteria: Invitae Variant Classification Sherloc (09022015). Collection method: clinical testing. Allele origin: germline.
Comment: This sequence change replaces arginine, which is basic and polar, with proline, which is neutral and non-polar, at codon 2566 of the RYR2 protein (p.Arg2566Pro). This variant is present in population databases (rs532016557, gnomAD 0.002%). This missense change has been observed in individual(s) with clinical features of RYR2-related conditions (Invitae). ClinVar contains an entry for this variant (Variation ID: 1284550). Advanced modeling of protein sequence and biophysical properties (such as structural, functional, and spatial information, amino acid conservation, physicochemical variation, residue mobility, and thermodynamic stability) performed at Invitae indicates that this missense variant is expected to disrupt RYR2 protein function. In summary, the available evidence is currently insufficient to determine the role of this variant in disease. Therefore, it has been classified as a Variant of Uncertain Significance.

Clinical Genetics DNA and cytogenetics Diagnostics Lab, Erasmus MC, Erasmus Medical Center
Classification: Uncertain significance. Review status: no assertion criteria provided. Collection method: clinical testing. Allele origin: germline. Affected: yes. Study: VKGL Data-share Consensus. Not counted in ClinVar's aggregate classification.

Clinical Genetics, Academic Medical Center
Classification: Uncertain significance. Review status: no assertion criteria provided. Collection method: clinical testing. Allele origin: germline. Affected: yes. Study: VKGL Data-share Consensus. Not counted in ClinVar's aggregate classification.

NM_001035.3(RYR2):c.7697G>C (p.Arg2566Pro)

Gene: RYR2 (ryanodine receptor 2; plus strand). Cytogenetic location: 1q43.
Variant type: single nucleotide variant.
Coding change: c.7697G>C on transcript NM_001035.3 (MANE Select); coding-DNA position 7697, G replaced by C.
Protein change: p.Arg2566Pro; replaces arginine 2566 with proline.
Molecular consequence: missense variant.
Genome position (GRCh38, 1-based): chr1:237,650,061, G>C. VCF-style: chr1-237650061-G-C. GRCh37 (hg19) VCF-style: chr1-237813361-G-C.
Other names: short protein forms R2566P.
Identifiers: ClinVar variation 1284550 (VCV001284550.8), dbSNP rs532016557, ClinGen allele CA087448.